The following is an entry in ClinVar:

NM_206923.4(YY2):c.581A>G (p.Asn194Ser)

Genes: MBTPS2 (membrane bound transcription factor peptidase, site 2; plus strand), YY2 (YY2 transcription factor; plus strand). Cytogenetic location: Xp22.12.
Variant type: single nucleotide variant.
Coding change: c.581A>G on transcript NM_206923.4 (MANE Select); coding-DNA position 581, A replaced by G.
Protein change: p.Asn194Ser; replaces asparagine 194 with serine.
Molecular consequence: missense variant. On other transcripts: intron variant (1).
Genome position (GRCh38, 1-based): chrX:21,857,065, A>G. VCF-style: chrX-21857065-A-G. GRCh37 (hg19) VCF-style: chrX-21875183-A-G.
Other names: c.670+3562A>G (NM_015884.4); short protein forms N194S.
Identifiers: ClinVar variation 2269833 (VCV002269833.4), dbSNP rs375556100, ClinGen allele CA10367495.
Genomic context (GRCh38, chrX:21,857,065, plus strand): 5'-TGCAGGTCAAAACGCTGGAGGGTGAGTTTTCCGTGACTATGTGGTCCCCTAACGATAACA[A>G]TGACCAAGGGGCAGTGGGTGAAGGCCAGGCTGAAAACCCACCTGATTATTCCGAGTACTT-3'
Protein context (NP_996806.2, residues 184-204): SVTMWSPNDN[Asn194Ser]DQGAVGEGQA

ClinVar aggregate classification (germline): Conflicting classifications of pathogenicity. Review status: criteria provided, conflicting classifications (1 of 4 stars). 2 submissions from 2 submitters: Uncertain significance (1); Likely benign (1). Last evaluated 2026-06-01.

Allele frequency attached by ClinVar (database versions not stated): gnomAD 0.00003; gnomAD exomes 0.00004; TOPMed 0.00005; ExAC 0.00007; ESP Exome Variant Server 0.00009.

Submissions (2):

CeGaT Center for Human Genetics Tuebingen
Classification: Likely benign. Last evaluated: 2026-06-01. Review status: criteria provided, single submitter. Criteria: CeGaT Center For Human Genetics Tuebingen Variant Classification Criteria Version 2. Collection method: clinical testing. Allele origin: germline. Affected: yes. Observed: 1 variant allele.
Comment: YY2: BP4, BS2

Ambry Genetics
Classification: Uncertain significance. Last evaluated: 2022-12-20. Review status: criteria provided, single submitter. Criteria: Ambry Variant Classification Scheme 2023. Collection method: clinical testing. Allele origin: germline.